The following is an entry in ClinVar:

ClinVar aggregate classification (germline): Conflicting classifications of pathogenicity. Review status: criteria provided, conflicting classifications (1 of 4 stars). 6 submissions from 6 submitters: Uncertain significance (1); Likely benign (5). Last evaluated 2026-03-01.

Conditions:
Cardiovascular phenotype. Identifiers: MedGen CN230736.
Long QT syndrome (LQTS). Identifiers: MedGen C0023976, MeSH D008133, MONDO:0002442. Disease mechanism: loss of function. Inheritance: Various modes of inheritance.
Cardiac arrhythmia, ankyrin-B-related. Also called: ANKYRIN-B SYNDROME. Identifiers: Orphanet 101016, Orphanet 768, MedGen C1970119, MONDO:0010958, OMIM 600919.

Allele frequency attached by ClinVar (database versions not stated): gnomAD below 0.00001 and 0.00009; TOPMed 0.00002; 1000 Genomes Project 0.00020; gnomAD exomes 0.00023 and 0.00043; 1000 Genomes Project 30x 0.00047; ExAC 0.00048.
gnomAD v4.1: 338 of 1,614,084 alleles (0.021%); highest among the groups gnomAD compares: South Asian, 0.35%; 2 homozygotes.

Submissions (6):

CeGaT Center for Human Genetics Tuebingen
Classification: Likely benign. Last evaluated: 2026-03-01. Review status: criteria provided, single submitter. Criteria: CeGaT Center For Human Genetics Tuebingen Variant Classification Criteria Version 2. Collection method: clinical testing. Allele origin: germline. Affected: yes. Observed: 1 variant allele.
Comment: ANK2: BP4, BS1

Labcorp Genetics (formerly Invitae), Labcorp
Classification: Likely benign for Long QT syndrome. Last evaluated: 2026-02-02. Review status: criteria provided, single submitter. Criteria: Invitae Variant Classification Sherloc (09022015). Collection method: clinical testing. Allele origin: germline.

Blueprint Genetics
Classification: Likely benign. Last evaluated: 2024-10-15. Review status: criteria provided, single submitter. Criteria: ACMG Guidelines, 2015. Collection method: clinical testing. Allele origin: germline.

Ambry Genetics
Classification: Likely benign for Cardiovascular phenotype. Last evaluated: 2019-02-04. Review status: criteria provided, single submitter. Criteria: Ambry Variant Classification Scheme 2023. Collection method: clinical testing. Allele origin: germline.

Illumina Laboratory Services, Illumina
Classification: Likely benign for Cardiac arrhythmia, ankyrin-B-related. Last evaluated: 2018-01-12. Review status: criteria provided, single submitter. Criteria: ICSL Variant Classification Criteria 13 December 2019. Collection method: clinical testing. Allele origin: germline.
Comment: This variant was observed in the ICSL laboratory as part of a predisposition screen in an ostensibly healthy population. It had not been previously curated by ICSL or reported in the Human Gene Mutation Database (HGMD: prior to June 1st, 2018), and was therefore a candidate for classification through an automated scoring system. Utilizing variant allele frequency, disease prevalence and penetrance estimates, and inheritance mode, an automated score was calculated to assess if this variant is too frequent to cause the disease. Based on the score and internal cut-off values, a variant classified as likely benign is not then subjected to further curation. The score for this variant resulted in a classification of likely benign for this disease.

Biesecker Lab/Clinical Genomics Section, National Institutes of Health
Classification: Uncertain significance. Last evaluated: 2013-06-24. Review status: criteria provided, single submitter. Criteria: Ng et al. (Circ Cardiovasc Genet. 2013). Collection method: research. Allele origin: unknown. Observed: 1 variant allele. Study: ClinSeq.
Comment: The study set was not selected for affection status in relation to any cancer. Pathogenicity categories were based on literature curation. See Pubmed ID:23861362 for details.

Medical sequencing

Literature cited by the submitters: PubMed 23861362 (cited by Ambry Genetics).

NM_001148.6(ANK2):c.8381A>G (p.Gln2794Arg)

Gene: ANK2 (ankyrin 2; plus strand). Cytogenetic location: 4q26.
Variant type: single nucleotide variant.
Coding change: c.8381A>G on transcript NM_001148.6 (MANE Select); coding-DNA position 8381, A replaced by G.
Protein change: p.Gln2794Arg; replaces glutamine 2794 with arginine.
Molecular consequence: missense variant. On other transcripts: intron variant (68).
Genome position (GRCh38, 1-based): chr4:113,356,999, A>G. VCF-style: chr4-113356999-A-G. GRCh37 (hg19) VCF-style: chr4-114278155-A-G.
Other names: c.4328-3824A>G (NM_001354258.2, NM_001354228.2); c.4265-3824A>G (NM_001354245.2, NM_001354262.2, NM_001354275.2); c.4229-3824A>G (NM_001354268.2); c.4127-3824A>G (NM_001354273.2); c.4427-3824A>G (NM_020977.5); c.4484-3824A>G (NM_001386152.1); c.4505-3824A>G (NM_001354237.2); c.4406-3824A>G (NM_001354230.2); and 35 more; short protein forms Q2794R, Q1594R, Q2716R, Q2833R, Q2841R.
Identifiers: ClinVar variation 191413 (VCV000191413.21), dbSNP rs528909081, ClinGen allele CA236570.